The following is an entry in ClinVar:

ClinVar aggregate classification (germline): Uncertain significance (1 of 4 stars; one submission).

Allele frequency attached by ClinVar (database versions not stated): gnomAD exomes below 0.00001; gnomAD 0.00001.
gnomAD v4.1: 3 of 1,613,980 alleles (0.00019%); highest among the groups gnomAD compares: African/African-American, 0.0013%; no homozygotes.

Submission:

Labcorp Genetics (formerly Invitae), Labcorp
Classification: Uncertain significance. Last evaluated: 2021-10-29. Review status: criteria provided, single submitter. Criteria: Invitae Variant Classification Sherloc (09022015). Collection method: clinical testing. Allele origin: germline.
Comment: This sequence change replaces lysine with threonine at codon 24 of the CIB2 protein (p.Lys24Thr). The lysine residue is weakly conserved and there is a moderate physicochemical difference between lysine and threonine. This variant is not present in population databases (gnomAD no frequency). This variant has not been reported in the literature in individuals affected with CIB2-related conditions. Algorithms developed to predict the effect of missense changes on protein structure and function are either unavailable or do not agree on the potential impact of this missense change (SIFT: "Not Available"; PolyPhen-2: "Possibly Damaging"; Align-GVGD: "Not Available"). In summary, the available evidence is currently insufficient to determine the role of this variant in disease. Therefore, it has been classified as a Variant of Uncertain Significance.

NM_006383.4(CIB2):c.71A>C (p.Lys24Thr)

Gene: CIB2 (calcium and integrin binding family member 2; minus strand). Cytogenetic location: 15q25.1.
Variant type: single nucleotide variant.
Coding change: c.71A>C on transcript NM_006383.4 (MANE Select); coding-DNA position 71, A replaced by C.
Protein change: p.Lys24Thr; replaces lysine 24 with threonine.
Molecular consequence: missense variant. On other transcripts: non-coding transcript variant (1), intron variant (2).
Genome position (GRCh38, 1-based): chr15:78,123,720, T>G on the plus strand (A>C on the coding strand, the complement: CIB2 is on the minus strand). VCF-style: chr15-78123720-T-G. GRCh37 (hg19) VCF-style: chr15-78416062-T-G.
Other names: c.71A>C, p.Lys24Thr (NM_001301224.2); c.51+7445A>C (NM_001271889.2); c.-44+7445A>C (NM_001271888.2); short protein forms K24T.
Identifiers: ClinVar variation 1408136 (VCV001408136.3), dbSNP rs2074348761, ClinGen allele CA393550427.